The following is an entry in ClinVar:

ClinVar aggregate classification (germline): Uncertain significance. Review status: criteria provided, multiple submitters, no conflicts (2 of 4 stars). 2 submissions from 2 submitters: Uncertain significance (2). Last evaluated 2025-05-24.

Conditions:
Aortic aneurysm, familial thoracic 7 (AAT7). Also called: AORTIC DISSECTION, FAMILIAL, WITH OR WITHOUT AORTIC ANEURYSM. Identifiers: MedGen C3151077, MONDO:0013418, OMIM 613780.
Familial thoracic aortic aneurysm and aortic dissection (TAAD). Also called: Thoracic aortic aneurysms and dissections. Identifiers: Orphanet 91387, MedGen C4707243, MONDO:0019625.

Allele frequency attached by ClinVar (database versions not stated): gnomAD exomes below 0.00001.
gnomAD v4.1: 3 of 1,614,058 alleles (0.00019%); highest among the groups gnomAD compares: Middle Eastern, 0.016%; no homozygotes.

Submissions (2):

Ambry Genetics
Classification: Uncertain significance for Familial thoracic aortic aneurysm and aortic dissection. Last evaluated: 2025-05-24. Review status: criteria provided, single submitter. Criteria: Ambry Variant Classification Scheme 2023. Collection method: clinical testing. Allele origin: germline.
Comment: The p.Q1322H variant (also known as c.3966G>C), located in coding exon 20 of the MYLK gene, results from a G to C substitution at nucleotide position 3966. The glutamine at codon 1322 is replaced by histidine, an amino acid with highly similar properties. This amino acid position is conserved. In addition, this alteration is predicted to be tolerated by in silico analysis. Since supporting evidence is limited at this time, the clinical significance of this alteration remains unclear.

Labcorp Genetics (formerly Invitae), Labcorp
Classification: Uncertain significance for Aortic aneurysm, familial thoracic 7. Last evaluated: 2021-10-09. Review status: criteria provided, single submitter. Criteria: Invitae Variant Classification Sherloc (09022015). Collection method: clinical testing. Allele origin: germline.
Comment: In summary, the available evidence is currently insufficient to determine the role of this variant in disease. Therefore, it has been classified as a Variant of Uncertain Significance. Advanced modeling of protein sequence and biophysical properties (such as structural, functional, and spatial information, amino acid conservation, physicochemical variation, residue mobility, and thermodynamic stability) performed at Invitae indicates that this missense variant is not expected to disrupt MYLK protein function. This variant has not been reported in the literature in individuals with MYLK-related conditions. This variant is not present in population databases (ExAC no frequency). This sequence change replaces glutamine with histidine at codon 1322 of the MYLK protein (p.Gln1322His). The glutamine residue is highly conserved and there is a small physicochemical difference between glutamine and histidine.

NM_053025.4(MYLK):c.3966G>C (p.Gln1322His)

Gene: MYLK (myosin light chain kinase; minus strand). Cytogenetic location: 3q21.1.
Variant type: single nucleotide variant.
Coding change: c.3966G>C on transcript NM_053025.4 (MANE Select); coding-DNA position 3966, G replaced by C.
Protein change: p.Gln1322His; replaces glutamine 1322 with histidine.
Molecular consequence: missense variant.
Genome position (GRCh38, 1-based): chr3:123,664,124, C>G on the plus strand (G>C on the coding strand, the complement: MYLK is on the minus strand). VCF-style: chr3-123664124-C-G. GRCh37 (hg19) VCF-style: chr3-123382971-C-G.
Other names: c.3438G>C, p.Gln1146His (NM_001321309.2); c.3759G>C, p.Gln1253His (NM_053026.4, NM_053028.4); c.3966G>C, p.Gln1322His (NM_053027.4); short protein forms Q1322H, Q1253H, Q1146H.
Identifiers: ClinVar variation 1439033 (VCV001439033.11), dbSNP rs2108323798, ClinGen allele CA354228780.